The following is an entry in ClinVar:

ClinVar aggregate classification (germline): Conflicting classifications of pathogenicity. Review status: criteria provided, conflicting classifications (1 of 4 stars). 5 submissions from 5 submitters: Uncertain significance (4); Likely benign (1). Last evaluated 2024-08-27.

Conditions:
Hereditary cancer-predisposing syndrome. Also called: Hereditary Cancer Syndrome; Neoplastic Syndromes, Hereditary; Tumor predisposition; Hereditary neoplastic syndrome. Identifiers: Orphanet 140162, MedGen C0027672, MeSH D009386, MONDO:0015356.
Hereditary breast ovarian cancer syndrome. Also called: Hereditary breast and ovarian cancer syndrome; Hereditary breast and ovarian cancer syndrome (HBOC); Hereditary breast and ovarian cancer; Hereditary breast and/or ovarian cancer syndrome; Breast and ovarian cancer; BRCA1- and BRCA2-Associated Hereditary Breast and Ovarian Cancer. Identifiers: Orphanet 145, MedGen C0677776, MeSH D061325, MONDO:0003582. Disease mechanism: loss of function.
Breast-ovarian cancer, familial, susceptibility to, 2 (BROVCA2). Also called: BRCA2 Hereditary Breast and Ovarian Cancer. Identifiers: Orphanet 145, MedGen C2675520, MONDO:0012933, OMIM 612555. Disease mechanism: loss of function.

Allele frequency attached by ClinVar (database versions not stated): gnomAD exomes below 0.00001.
gnomAD v4.1: 1 of 1,611,954 alleles (0.000062%); highest among the groups gnomAD compares: African/African-American, 0.0013%; no homozygotes.

Submissions (5):

St. Jude Molecular Pathology, St. Jude Children's Research Hospital
Classification: Uncertain significance for Breast-ovarian cancer, familial, susceptibility to, 2. Last evaluated: 2024-08-27. Review status: criteria provided, single submitter. Criteria: St. Jude Assertion Criteria 2020. Collection method: clinical testing. Allele origin: germline.
Comment: The BRCA2 c.1051A>G (p.Lys351Glu) missense variant is absent in gnomAD v2.1.1. The in silico tool BayesDel and splicing algorithm(s) predict a benign effect, but to our knowledge these predictions have not been confirmed by functional studies. To our knowledge, this variant has not been reported in the literature in individuals with hereditary breast and ovarian cancer or Fanconi anemia. In summary, the evidence currently available is insufficient to determine the clinical significance of this variant. It has therefore been classified as of uncertain significance.

University of Washington Department of Laboratory Medicine, University of Washington
Classification: Likely benign for Hereditary cancer-predisposing syndrome. Last evaluated: 2023-03-23. Review status: criteria provided, single submitter. Criteria: Dines et al. (Genet Med. 2020). Collection method: curation. Allele origin: germline.
Comment: Missense variant in a coldspot region where missense variants are very unlikely to be pathogenic (PMID:31911673).

BRCA2 exon 10 coldspot. Reclassification based on statistical prior probability.

Labcorp Genetics (formerly Invitae), Labcorp
Classification: Uncertain significance for Hereditary breast ovarian cancer syndrome. Last evaluated: 2022-08-22. Review status: criteria provided, single submitter. Criteria: Invitae Variant Classification Sherloc (09022015). Collection method: clinical testing. Allele origin: germline.
Comment: In summary, the available evidence is currently insufficient to determine the role of this variant in disease. Therefore, it has been classified as a Variant of Uncertain Significance. Advanced modeling of protein sequence and biophysical properties (such as structural, functional, and spatial information, amino acid conservation, physicochemical variation, residue mobility, and thermodynamic stability) performed at Invitae indicates that this missense variant is not expected to disrupt BRCA2 protein function. ClinVar contains an entry for this variant (Variation ID: 630465). This variant has not been reported in the literature in individuals affected with BRCA2-related conditions. This variant is not present in population databases (gnomAD no frequency). This sequence change replaces lysine, which is basic and polar, with glutamic acid, which is acidic and polar, at codon 351 of the BRCA2 protein (p.Lys351Glu).

Ambry Genetics
Classification: Uncertain significance for Hereditary cancer-predisposing syndrome. Last evaluated: 2021-05-16. Review status: criteria provided, single submitter. Criteria: Ambry Variant Classification Scheme 2023. Collection method: clinical testing. Allele origin: germline.
Comment: The p.K351E variant (also known as c.1051A>G), located in coding exon 9 of the BRCA2 gene, results from an A to G substitution at nucleotide position 1051. The lysine at codon 351 is replaced by glutamic acid, an amino acid with similar properties. This amino acid position is poorly conserved in available vertebrate species. In addition, this alteration is predicted to be tolerated by in silico analysis. Since supporting evidence is limited at this time, the clinical significance of this alteration remains unclear.

Color Diagnostics, LLC DBA Color Health
Classification: Uncertain significance for Hereditary cancer-predisposing syndrome. Last evaluated: 2019-06-02. Review status: criteria provided, single submitter. Criteria: ACMG Guidelines, 2015. Collection method: clinical testing. Allele origin: germline.

NM_000059.4(BRCA2):c.1051A>G (p.Lys351Glu)

Gene: BRCA2 (BRCA2 DNA repair associated; plus strand). Cytogenetic location: 13q13.1.
Variant type: single nucleotide variant.
Coding change: c.1051A>G on transcript NM_000059.4 (MANE Select); coding-DNA position 1051, A replaced by G.
Protein change: p.Lys351Glu; replaces lysine 351 with glutamic acid.
Molecular consequence: missense variant.
Genome position (GRCh38, 1-based): chr13:32,332,529, A>G. VCF-style: chr13-32332529-A-G. GRCh37 (hg19) VCF-style: chr13-32906666-A-G.
Other names: short protein forms K351E.
Identifiers: ClinVar variation 630465 (VCV000630465.15), dbSNP rs1003779807, ClinGen allele CA247496494.